The following is an entry in ClinVar:

ClinVar aggregate classification (germline): Likely benign. Review status: criteria provided, multiple submitters, no conflicts (2 of 4 stars). 3 submissions from 3 submitters: Likely benign (2). 1 of the submissions does not count toward it. Last evaluated 2024-11-21.

Conditions:
P2RX2-related disorder. Also called: P2RX2-related condition.

Allele frequency attached by ClinVar (database versions not stated): ExAC 0.00002; gnomAD exomes 0.00003 and 0.00014; ESP Exome Variant Server 0.00008; TOPMed 0.00010; gnomAD 0.00012.

Submissions (3):

Blueprint Genetics
Classification: Likely benign. Last evaluated: 2024-11-21. Review status: criteria provided, single submitter. Criteria: ACMG Guidelines, 2015. Collection method: clinical testing. Allele origin: germline.

Labcorp Genetics (formerly Invitae), Labcorp
Classification: Likely benign. Last evaluated: 2024-11-02. Review status: criteria provided, single submitter. Criteria: Invitae Variant Classification Sherloc (09022015). Collection method: clinical testing. Allele origin: germline.

PreventionGenetics, part of Exact Sciences
Classification: Likely benign for P2RX2-related condition. Last evaluated: 2019-12-16. Review status: no assertion criteria provided. Collection method: clinical testing. Allele origin: germline. Not counted in ClinVar's aggregate classification.
Comment: This variant is classified as likely benign based on ACMG/AMP sequence variant interpretation guidelines (Richards et al. 2015 PMID: 25741868, with internal and published modifications).

NM_170682.4(P2RX2):c.444C>T (p.Asp148=)

Gene: P2RX2 (purinergic receptor P2X 2; plus strand). Cytogenetic location: 12q24.33.
Variant type: single nucleotide variant.
Coding change: c.444C>T on transcript NM_170682.4 (MANE Select); coding-DNA position 444, C replaced by T.
Protein change: p.Asp148=; no amino-acid change (aspartic acid 148 retained).
Molecular consequence: synonymous variant. On other transcripts: intron variant (1).
Genome position (GRCh38, 1-based): chr12:132,619,906, C>T. VCF-style: chr12-132619906-C-T. GRCh37 (hg19) VCF-style: chr12-133196492-C-T.
Other names: c.444C>T, p.Asp148= (NM_170683.4, NM_174873.3, NM_001282165.2); c.168C>T, p.Asp56= (NM_174872.3); c.242-94C>T (NM_012226.5); c.372C>T, p.Asp124= (NM_001282164.2, NM_016318.4).
Identifiers: ClinVar variation 710972 (VCV000710972.10), dbSNP rs372588712, ClinGen allele CA6891493.